The following is an entry in ClinVar:

ClinVar aggregate classification (germline): Benign. Review status: criteria provided, multiple submitters, no conflicts (2 of 4 stars). 3 submissions from 3 submitters: Benign (2). 1 of the submissions does not count toward it. Last evaluated 2026-01-08.

Conditions:
ZNF341-related disorder. Also called: ZNF341-related condition.

Allele frequency attached by ClinVar (database versions not stated): gnomAD 0.00001 and 0.00048; TOPMed 0.00008; gnomAD exomes 0.00064 and 0.00128; ExAC 0.00148; 1000 Genomes Project 0.00339; 1000 Genomes Project 30x 0.00359.
gnomAD v4.1: 1,006 of 1,613,896 alleles (0.062%); highest among the groups gnomAD compares: South Asian, 1%; 17 homozygotes.

Submissions (3):

Labcorp Genetics (formerly Invitae), Labcorp
Classification: Benign. Last evaluated: 2026-01-08. Review status: criteria provided, single submitter. Criteria: Invitae Variant Classification Sherloc (09022015). Collection method: clinical testing. Allele origin: germline.

Breakthrough Genomics
Classification: Benign. Review status: criteria provided, single submitter. Criteria: ACMG Guidelines, 2015. Collection method: not provided. Allele origin: germline. Inheritance: Autosomal recessive inheritance. Affected: yes.

PreventionGenetics, part of Exact Sciences
Classification: Benign for ZNF341-related condition. Last evaluated: 2020-01-13. Review status: no assertion criteria provided. Collection method: clinical testing. Allele origin: germline. Not counted in ClinVar's aggregate classification.
Comment: This variant is classified as benign based on ACMG/AMP sequence variant interpretation guidelines (Richards et al. 2015 PMID: 25741868, with internal and published modifications).

NM_001282933.2(ZNF341):c.1448C>T (p.Thr483Met)

Gene: ZNF341 (zinc finger protein 341; plus strand). Cytogenetic location: 20q11.22.
Variant type: single nucleotide variant.
Coding change: c.1448C>T on transcript NM_001282933.2 (MANE Select); coding-DNA position 1448, C replaced by T.
Protein change: p.Thr483Met; replaces threonine 483 with methionine.
Molecular consequence: missense variant. On other transcripts: non-coding transcript variant (1).
Genome position (GRCh38, 1-based): chr20:33,770,118, C>T. VCF-style: chr20-33770118-C-T. GRCh37 (hg19) VCF-style: chr20-32357924-C-T.
Other names: c.1178C>T, p.Thr393Met (NM_001282935.2); c.1427C>T, p.Thr476Met (NM_032819.5); c.1448C>T (NM_001282933.1); short protein forms T393M, T476M, T483M.
Identifiers: ClinVar variation 1164560 (VCV001164560.12), dbSNP rs560168138, ClinGen allele CA9819455.